The following is an entry in ClinVar:

NM_000548.5(TSC2):c.5101A>C (p.Lys1701Gln)

Gene: TSC2 (TSC complex subunit 2; plus strand). Cytogenetic location: 16p13.3.
Variant type: single nucleotide variant.
Coding change: c.5101A>C on transcript NM_000548.5 (MANE Select); coding-DNA position 5101, A replaced by C.
Protein change: p.Lys1701Gln; replaces lysine 1701 with glutamine.
Molecular consequence: missense variant. On other transcripts: non-coding transcript variant (5).
Genome position (GRCh38, 1-based): chr16:2,088,080, A>C. VCF-style: chr16-2088080-A-C. GRCh37 (hg19) VCF-style: chr16-2138081-A-C.
Other names: c.4900A>C, p.Lys1634Gln (NM_001077183.3); c.5032A>C, p.Lys1678Gln (NM_001114382.3); c.4792A>C, p.Lys1598Gln (NM_001318827.2); c.4756A>C, p.Lys1586Gln (NM_001318829.2); c.4369A>C, p.Lys1457Gln (NM_001318831.2); c.4933A>C, p.Lys1645Gln (NM_001318832.2); c.4903A>C, p.Lys1635Gln (NM_001363528.2); c.4969A>C, p.Lys1657Gln (NM_001370404.1); and 26 more; short protein forms K1186Q, K1434Q, K1435Q, K1478Q, K1597Q, K1615Q, K1631Q, K1641Q.
Identifiers: ClinVar variation 2756655 (VCV002756655.3), dbSNP rs2151620842, ClinGen allele CA394312186.

ClinVar aggregate classification (germline): Uncertain significance (1 of 4 stars; one submission).

Conditions:
Tuberous sclerosis 2 (TSC2). Identifiers: Orphanet 805, MedGen C1860707, MONDO:0013199, OMIM 613254.

Submission:

Labcorp Genetics (formerly Invitae), Labcorp
Classification: Uncertain significance for Tuberous sclerosis 2. Last evaluated: 2024-04-10. Review status: criteria provided, single submitter. Criteria: Invitae Variant Classification Sherloc (09022015). Collection method: clinical testing. Allele origin: germline.
Comment: This sequence change replaces lysine, which is basic and polar, with glutamine, which is neutral and polar, at codon 1701 of the TSC2 protein (p.Lys1701Gln). This variant is not present in population databases (gnomAD no frequency). This variant has not been reported in the literature in individuals affected with TSC2-related conditions. Advanced modeling of protein sequence and biophysical properties (such as structural, functional, and spatial information, amino acid conservation, physicochemical variation, residue mobility, and thermodynamic stability) performed at Invitae indicates that this missense variant is not expected to disrupt TSC2 protein function with a negative predictive value of 95%. In summary, the available evidence is currently insufficient to determine the role of this variant in disease. Therefore, it has been classified as a Variant of Uncertain Significance.